The following is an entry in ClinVar:

ClinVar aggregate classification (germline): Uncertain significance (1 of 4 stars; one submission).

Conditions:
Hereditary cancer-predisposing syndrome. Also called: Neoplastic Syndromes, Hereditary; Tumor predisposition; Hereditary Cancer Syndrome; Hereditary neoplastic syndrome. Identifiers: Orphanet 140162, MedGen C0027672, MeSH D009386, MONDO:0015356.

Submission:

Ambry Genetics
Classification: Uncertain significance for Hereditary cancer-predisposing syndrome. Last evaluated: 2025-08-15. Review status: criteria provided, single submitter. Criteria: Ambry Variant Classification Scheme 2023. Collection method: clinical testing. Allele origin: germline.
Comment: The c.3485delC variant (also known as p.S1162*), located in coding exon 19 of the BRIP1 gene, results from a deletion of one nucleotide at nucleotide position 3485. This changes the amino acid from a serine to a stop codon within coding exon 19. This alteration occurs at the 3' terminus of theBRIP1 gene, is not expected to trigger nonsense-mediated mRNAdecay, and impacts the last 7% of the protein. The exact functional effect of this alteration is unknown. Based on the available evidence, the clinical significance of this variant remains unclear.

NM_032043.3(BRIP1):c.3485del (p.Asn1161_Ser1162insTer)

Gene: BRIP1 (BRCA1 interacting DNA helicase 1; minus strand). Cytogenetic location: 17q23.2.
Variant type: Deletion.
Coding change: c.3485del on transcript NM_032043.3 (MANE Select); coding-DNA position 3485, one base deleted (C; older notation c.3485delC).
Protein change: p.Asn1161_Ser1162insTer.
Molecular consequence: nonsense.
Genome position (GRCh38, 1-based): chr17:61,683,561, G deleted on the plus strand (C on the coding strand, the reverse complement: BRIP1 is on the minus strand). VCF-style (leftmost placement, unchanged base first): chr17-61683560-TG-T. GRCh37 (hg19) VCF-style: chr17-59760921-TG-T.
Identifiers: ClinVar variation 1731872 (VCV001731872.3), dbSNP rs2544555018, ClinGen allele CA2580094556.